The following is an entry in ClinVar:

NM_004006.3(DMD):c.6053T>G (p.Leu2018Arg)

Gene: DMD (dystrophin; minus strand). Cytogenetic location: Xp21.1.
Variant type: single nucleotide variant.
Coding change: c.6053T>G on transcript NM_004006.3 (MANE Select); coding-DNA position 6053, T replaced by G.
Protein change: p.Leu2018Arg; replaces leucine 2018 with arginine.
Molecular consequence: missense variant.
Genome position (GRCh38, 1-based): chrX:32,310,146, A>C on the plus strand (T>G on the coding strand, the complement: DMD is on the minus strand). VCF-style: chrX-32310146-A-C. GRCh37 (hg19) VCF-style: chrX-32328263-A-C.
Other names: c.6053T>G (NM_004006.2); c.6029T>G, p.Leu2010Arg (NM_000109.4); c.6041T>G, p.Leu2014Arg (NM_004009.3); c.5684T>G, p.Leu1895Arg (NM_004010.3); c.2030T>G, p.Leu677Arg (NM_004011.4); c.2021T>G, p.Leu674Arg (NM_004012.4); short protein forms L2010R, L2018R, L674R, L1895R, L2014R, L677R.
Identifiers: ClinVar variation 1508693 (VCV001508693.9), dbSNP rs768910735, ClinGen allele CA10378552.

ClinVar aggregate classification (germline): Uncertain significance. Review status: criteria provided, multiple submitters, no conflicts (2 of 4 stars). 2 submissions from 2 submitters: Uncertain significance (2). Last evaluated 2025-05-09.

Conditions:
Duchenne muscular dystrophy (DMD). Also called: Duchenne Muscular Dystrophy (DMD); MUSCULAR DYSTROPHY, PSEUDOHYPERTROPHIC PROGRESSIVE, DUCHENNE TYPE. Identifiers: Orphanet 98896, MedGen C0013264, MONDO:0010679, OMIM 310200.

Allele frequency attached by ClinVar (database versions not stated): gnomAD exomes below 0.00001 and 0.00001; ExAC 0.00001; TOPMed 0.00001; gnomAD 0.00002.
gnomAD v4.1: 6 of 1,208,008 alleles (0.0005%); highest among the groups gnomAD compares: Non-Finnish European, 0.00067%; no homozygotes.

Submissions (2):

Labcorp Genetics (formerly Invitae), Labcorp
Classification: Uncertain significance for Duchenne muscular dystrophy. Last evaluated: 2025-05-09. Review status: criteria provided, single submitter. Criteria: Invitae Variant Classification Sherloc (09022015). Collection method: clinical testing. Allele origin: germline.
Comment: This sequence change replaces leucine, which is neutral and non-polar, with arginine, which is basic and polar, at codon 2018 of the DMD protein (p.Leu2018Arg). This variant is not present in population databases (gnomAD no frequency). This variant has not been reported in the literature in individuals affected with DMD-related conditions. ClinVar contains an entry for this variant (Variation ID: 1508693). Invitae Evidence Modeling of protein sequence and biophysical properties (such as structural, functional, and spatial information, amino acid conservation, physicochemical variation, residue mobility, and thermodynamic stability) indicates that this missense variant is not expected to disrupt DMD protein function with a negative predictive value of 95%. In summary, the available evidence is currently insufficient to determine the role of this variant in disease. Therefore, it has been classified as a Variant of Uncertain Significance.

Revvity Omics, Revvity
Classification: Uncertain significance. Last evaluated: 2020-02-13. Review status: criteria provided, single submitter. Criteria: ACMG Guidelines, 2015. Collection method: clinical testing. Allele origin: germline.